The following is an entry in ClinVar:

ClinVar aggregate classification (germline): Uncertain significance (1 of 4 stars; one submission).

gnomAD v4.1: 5 of 1,544,872 alleles (0.00032%); highest among the groups gnomAD compares: South Asian, 0.0012%; no homozygotes.

Submission:

CeGaT Center for Human Genetics Tuebingen
Classification: Uncertain significance. Last evaluated: 2023-08-01. Review status: criteria provided, single submitter. Criteria: CeGaT Center For Human Genetics Tuebingen Variant Classification Criteria Version 2. Collection method: clinical testing. Allele origin: germline. Affected: yes. Observed: 1 variant allele.
Comment: RAPGEF2: PM2

NM_001394067.2(RAPGEF2):c.4655G>A (p.Arg1552Gln)

Gene: RAPGEF2 (Rap guanine nucleotide exchange factor 2; plus strand). Cytogenetic location: 4q32.1.
Variant type: single nucleotide variant.
Coding change: c.4655G>A on transcript NM_001394067.2 (MANE Select); coding-DNA position 4655, G replaced by A.
Protein change: p.Arg1552Gln; replaces arginine 1552 with glutamine.
Molecular consequence: missense variant.
Genome position (GRCh38, 1-based): chr4:159,355,856, G>A. VCF-style: chr4-159355856-G-A. GRCh37 (hg19) VCF-style: chr4-160277008-G-A.
Other names: c.4730G>A, p.Arg1577Gln (NM_001351724.5); c.4307G>A, p.Arg1436Gln (NM_001351725.2, NM_001351726.3); c.4247G>A, p.Arg1416Gln (NM_001351727.4); c.4295G>A, p.Arg1432Gln (NM_001351728.4); c.4172G>A, p.Arg1391Gln (NM_014247.5); short protein forms R1391Q, R1416Q, R1432Q, R1436Q, R1552Q, R1577Q.
Identifiers: ClinVar variation 2655165 (VCV002655165.24), dbSNP rs1463939659, ClinGen allele CA358585889.